The following is an entry in ClinVar:

NM_014413.4(EIF2AK1):c.1126T>C (p.Tyr376His)

Gene: EIF2AK1 (eukaryotic translation initiation factor 2 alpha kinase 1; minus strand). Cytogenetic location: 7p22.1.
Variant type: single nucleotide variant.
Coding change: c.1126T>C on transcript NM_014413.4 (MANE Select); coding-DNA position 1126, T replaced by C.
Protein change: p.Tyr376His; replaces tyrosine 376 with histidine.
Molecular consequence: missense variant.
Genome position (GRCh38, 1-based): chr7:6,038,665, A>G on the plus strand (T>C on the coding strand, the complement: EIF2AK1 is on the minus strand). VCF-style: chr7-6038665-A-G. GRCh37 (hg19) VCF-style: chr7-6078296-A-G.
Other names: c.1123T>C, p.Tyr375His (NM_001134335.2); short protein forms Y375H, Y376H.
Identifiers: ClinVar variation 3709292 (VCV003709292.4).

ClinVar aggregate classification (germline): Conflicting classifications of pathogenicity. Review status: criteria provided, conflicting classifications (1 of 4 stars). 3 submissions from 3 submitters: Uncertain significance (2); Likely benign (1). Last evaluated 2026-05-13.

Conditions:
Leukoencephalopathy, motor delay, spasticity, and dysarthria syndrome. Also called: LEMSPAD SYNDROME. Identifiers: MedGen C5394371, MONDO:0030036, OMIM 618878.

gnomAD v4.1: 28 of 1,610,518 alleles (0.0017%); highest among the groups gnomAD compares: Admixed American, 0.022%; no homozygotes.

Submissions (3):

Centre for Medical Genetics,  Mumbai
Classification: Likely benign for Leukoencephalopathy, motor delay, spasticity, and dysarthria syndrome. Last evaluated: 2026-05-13. Review status: criteria provided, single submitter. Criteria: ACMG Guidelines, 2015. Collection method: provider interpretation. Allele origin: germline. Inheritance: Autosomal dominant inheritance. Affected: no. Observed: 1 variant allele, 1 heterozygote.
Comment: The variant satisfies PM2 criteria - extremely low frequency in gnomAD population databases. However, the variant satisfies BS2 criteria - present in heterozygous state in an individual that clinically does not have Leukoencephalopathy, motor delay, spasticity.

Labcorp Genetics (formerly Invitae), Labcorp
Classification: Uncertain significance. Last evaluated: 2024-11-05. Review status: criteria provided, single submitter. Criteria: Invitae Variant Classification Sherloc (09022015). Collection method: clinical testing. Allele origin: germline.
Comment: This sequence change replaces tyrosine, which is neutral and polar, with histidine, which is basic and polar, at codon 376 of the EIF2AK1 protein (p.Tyr376His). This variant is present in population databases (rs150001751, gnomAD 0.03%). This variant has not been reported in the literature in individuals affected with EIF2AK1-related conditions. An algorithm developed to predict the effect of missense changes on protein structure and function (PolyPhen-2) suggests that this variant is likely to be disruptive. In summary, the available evidence is currently insufficient to determine the role of this variant in disease. Therefore, it has been classified as a Variant of Uncertain Significance.

Department of Pathology and Laboratory Medicine, Sinai Health System
Classification: Uncertain significance for Leukoencephalopathy, motor delay, spasticity, and dysarthria syndrome. Last evaluated: 2021-09-09. Review status: criteria provided, single submitter. Criteria: ACMG Guidelines, 2015. Collection method: research. Allele origin: germline.

Literature cited by the submitters: PubMed 32197074 (cited by Centre for Medical Genetics,  Mumbai).